The following is an entry in ClinVar:

ClinVar aggregate classification (germline): Uncertain significance (1 of 4 stars; one submission).

Submission:

Labcorp Genetics (formerly Invitae), Labcorp
Classification: Uncertain significance. Last evaluated: 2025-08-11. Review status: criteria provided, single submitter. Criteria: Invitae Variant Classification Sherloc (09022015). Collection method: clinical testing. Allele origin: germline.
Comment: This sequence change replaces serine, which is neutral and polar, with asparagine, which is neutral and polar, at codon 19 of the IL23R protein (p.Ser19Asn). This variant is not present in population databases (gnomAD no frequency). This variant has not been reported in the literature in individuals affected with IL23R-related conditions. An algorithm developed to predict the effect of missense changes on protein structure and function outputs the following: PolyPhen-2: "Benign". The asparagine amino acid residue is found in multiple mammalian species, which suggests that this missense change does not adversely affect protein function. In summary, the available evidence is currently insufficient to determine the role of this variant in disease. Therefore, it has been classified as a Variant of Uncertain Significance.

NM_144701.3(IL23R):c.56G>A (p.Ser19Asn)

Gene: IL23R (interleukin 23 receptor; plus strand). Cytogenetic location: 1p31.3.
Variant type: single nucleotide variant.
Coding change: c.56G>A on transcript NM_144701.3 (MANE Select); coding-DNA position 56, G replaced by A.
Protein change: p.Ser19Asn; replaces serine 19 with asparagine.
Molecular consequence: missense variant.
Genome position (GRCh38, 1-based): chr1:67,168,176, G>A. VCF-style: chr1-67168176-G-A. GRCh37 (hg19) VCF-style: chr1-67633859-G-A.
Other names: short protein forms S19N.
Identifiers: ClinVar variation 4725258 (VCV004725258.1).